The following is an entry in ClinVar:

ClinVar aggregate classification (germline): Uncertain significance (1 of 4 stars; one submission).

Conditions:
Multiple gastrointestinal atresias. Also called: FAMILIAL INTESTINAL POLYATRESIA SYNDROME; Multiple intestinal atresia. Identifiers: Orphanet 2300, MedGen C0220744, MONDO:0009465.

Submission:

Labcorp Genetics (formerly Invitae), Labcorp
Classification: Uncertain significance for Multiple gastrointestinal atresias. Last evaluated: 2024-04-03. Review status: criteria provided, single submitter. Criteria: Invitae Variant Classification Sherloc (09022015). Collection method: clinical testing. Allele origin: germline.
Comment: This sequence change replaces glutamic acid, which is acidic and polar, with lysine, which is basic and polar, at codon 370 of the TTC7A protein (p.Glu370Lys). This variant is not present in population databases (gnomAD no frequency). This variant has not been reported in the literature in individuals affected with TTC7A-related conditions. Advanced modeling of protein sequence and biophysical properties (such as structural, functional, and spatial information, amino acid conservation, physicochemical variation, residue mobility, and thermodynamic stability) performed at Invitae indicates that this missense variant is not expected to disrupt TTC7A protein function with a negative predictive value of 80%. In summary, the available evidence is currently insufficient to determine the role of this variant in disease. Therefore, it has been classified as a Variant of Uncertain Significance.

NM_020458.4(TTC7A):c.1108G>A (p.Glu370Lys)

Gene: TTC7A (tetratricopeptide repeat domain 7A; plus strand). Cytogenetic location: 2p21.
Variant type: single nucleotide variant.
Coding change: c.1108G>A on transcript NM_020458.4 (MANE Select); coding-DNA position 1108, G replaced by A.
Protein change: p.Glu370Lys; replaces glutamic acid 370 with lysine.
Molecular consequence: missense variant.
Genome position (GRCh38, 1-based): chr2:47,005,964, G>A. VCF-style: chr2-47005964-G-A. GRCh37 (hg19) VCF-style: chr2-47233103-G-A.
Other names: c.1108G>A, p.Glu370Lys (NM_001288951.2); c.1006G>A, p.Glu336Lys (NM_001288953.2); c.46G>A, p.Glu16Lys (NM_001288955.2); short protein forms E16K, E336K, E370K.
Identifiers: ClinVar variation 3691165 (VCV003691165.2).